The following is an entry in ClinVar:

ClinVar aggregate classification (germline): Uncertain significance (1 of 4 stars; one submission).

Allele frequency attached by ClinVar (database versions not stated): gnomAD exomes below 0.00001; ExAC 0.00001.
gnomAD v4.1: 5 of 1,614,126 alleles (0.00031%); highest among the groups gnomAD compares: Non-Finnish European, 0.00042%; no homozygotes.

Submission:

Labcorp Genetics (formerly Invitae), Labcorp
Classification: Uncertain significance. Last evaluated: 2025-12-08. Review status: criteria provided, single submitter. Criteria: Invitae Variant Classification Sherloc (09022015). Collection method: clinical testing. Allele origin: germline.
Comment: This sequence change replaces asparagine, which is neutral and polar, with threonine, which is neutral and polar, at codon 1029 of the LAMC2 protein (p.Asn1029Thr). This variant is present in population databases (rs201956884, gnomAD 0.0009%). This variant has not been reported in the literature in individuals affected with LAMC2-related conditions. ClinVar contains an entry for this variant (Variation ID: 1925644). Invitae Evidence Modeling of protein sequence and biophysical properties (such as structural, functional, and spatial information, amino acid conservation, physicochemical variation, residue mobility, and thermodynamic stability) indicates that this missense variant is not expected to disrupt LAMC2 protein function with a negative predictive value of 80%. In summary, the available evidence is currently insufficient to determine the role of this variant in disease. Therefore, it has been classified as a Variant of Uncertain Significance.

NM_005562.3(LAMC2):c.3086A>C (p.Asn1029Thr)

Gene: LAMC2 (laminin subunit gamma 2; plus strand). Cytogenetic location: 1q25.3.
Variant type: single nucleotide variant.
Coding change: c.3086A>C on transcript NM_005562.3 (MANE Select); coding-DNA position 3086, A replaced by C.
Protein change: p.Asn1029Thr; replaces asparagine 1029 with threonine.
Molecular consequence: missense variant.
Genome position (GRCh38, 1-based): chr1:183,240,056, A>C. VCF-style: chr1-183240056-A-C. GRCh37 (hg19) VCF-style: chr1-183209191-A-C.
Other names: c.3086A>C, p.Asn1029Thr (NM_018891.3); short protein forms N1029T.
Identifiers: ClinVar variation 1925644 (VCV001925644.3), dbSNP rs201956884, ClinGen allele CA1283154.